The following is an entry in ClinVar:

NM_000052.7(ATP7A):c.1950G>C (p.Trp650Cys)

Gene: ATP7A (ATPase copper transporting alpha; plus strand). Cytogenetic location: Xq21.1.
Variant type: single nucleotide variant.
Coding change: c.1950G>C on transcript NM_000052.7 (MANE Select); coding-DNA position 1950, G replaced by C.
Protein change: p.Trp650Cys; replaces tryptophan 650 with cysteine.
Molecular consequence: missense variant.
Genome position (GRCh38, 1-based): chrX:78,011,452, G>C. VCF-style: chrX-78011452-G-C. GRCh37 (hg19) VCF-style: chrX-77266949-G-C.
Other names: c.1950G>C, p.Trp650Cys (NM_001282224.2); short protein forms W650C.
Identifiers: ClinVar variation 3760495 (VCV003760495.2).
Genomic context (GRCh38, chrX:78,011,452, plus strand): 5'-TTTACCCATTAGCTATTTATGACCATGATTTTTCTTTTTTTATTTTTTCCATATAAGATG[G>C]AGACGGTCTTTTCTTGTGAGTCTGTTTTTCTGTATTCCTGTAATGGGGCTGATGATATAT-3'
Protein context (NP_000043.4, residues 640-660): HLDHKREIRQ[Trp650Cys]RRSFLVSLFF

ClinVar aggregate classification (germline): Uncertain significance (1 of 4 stars; one submission).

Conditions:
Menkes kinky-hair syndrome (MNK). Also called: Copper transport disease; Menkes Disease; Classic Menkes Disease. Identifiers: Orphanet 565, MedGen C0022716, MONDO:0010651, OMIM 309400.
X-linked distal spinal muscular atrophy type 3. Also called: ATP7A-Related Distal Motor Neuropathy; SPINAL MUSCULAR ATROPHY, DISTAL, X-LINKED RECESSIVE; NEURONOPATHY, DISTAL HEREDITARY MOTOR, X-LINKED; NEUROPATHY, DISTAL HEREDITARY MOTOR, X-LINKED. Identifiers: Orphanet 139557, MedGen C1845359, MONDO:0010338, OMIM 300489.
Cutis laxa, X-linked (OHS). Also called: EDS IX; Occipital horn syndrome. Identifiers: Orphanet 198, MedGen C0268353, MONDO:0010572, OMIM 304150.

gnomAD v4.1: 1 of 1,207,712 alleles (0.000083%); highest among the groups gnomAD compares: Non-Finnish European, 0.00011%; no homozygotes.

Submission:

Labcorp Genetics (formerly Invitae), Labcorp
Classification: Uncertain significance for X-linked distal spinal muscular atrophy type 3; Cutis laxa, X-linked; Menkes kinky-hair syndrome. Last evaluated: 2024-10-30. Review status: criteria provided, single submitter. Criteria: Invitae Variant Classification Sherloc (09022015). Collection method: clinical testing. Allele origin: germline.
Comment: This sequence change replaces tryptophan, which is neutral and slightly polar, with cysteine, which is neutral and slightly polar, at codon 650 of the ATP7A protein (p.Trp650Cys). This variant is not present in population databases (gnomAD no frequency). This variant has not been reported in the literature in individuals affected with ATP7A-related conditions. Invitae Evidence Modeling of protein sequence and biophysical properties (such as structural, functional, and spatial information, amino acid conservation, physicochemical variation, residue mobility, and thermodynamic stability) indicates that this missense variant is expected to disrupt ATP7A protein function with a positive predictive value of 95%. In summary, the available evidence is currently insufficient to determine the role of this variant in disease. Therefore, it has been classified as a Variant of Uncertain Significance.